The following is an entry in ClinVar:

NM_001103.4(ACTN2):c.2606A>G (p.Tyr869Cys)

Gene: ACTN2 (actinin alpha 2; plus strand). Cytogenetic location: 1q43.
Variant type: single nucleotide variant.
Coding change: c.2606A>G on transcript NM_001103.4 (MANE Select); coding-DNA position 2606, A replaced by G.
Protein change: p.Tyr869Cys; replaces tyrosine 869 with cysteine.
Molecular consequence: missense variant. On other transcripts: non-coding transcript variant (1).
Genome position (GRCh38, 1-based): chr1:236,762,540, A>G. VCF-style: chr1-236762540-A-G. GRCh37 (hg19) VCF-style: chr1-236925840-A-G.
Other names: c.2606A>G, p.Tyr869Cys (NM_001278343.2); c.1982A>G, p.Tyr661Cys (NM_001278344.2); c.1856A>G, p.Tyr619Cys (NM_001412150.1); short protein forms Y661C, Y869C, Y619C.
Identifiers: ClinVar variation 2934762 (VCV002934762.3), dbSNP rs2527670039, ClinGen allele CA345392395.

ClinVar aggregate classification (germline): Uncertain significance (1 of 4 stars; one submission).

Conditions:
Primary familial hypertrophic cardiomyopathy (HCM). Identifiers: Orphanet 99739, MedGen C0949658, MeSH D024741, MONDO:0024573. Inheritance: Various modes of inheritance.
Dilated cardiomyopathy 1AA (CMD1AA). Also called: CARDIOMYOPATHY, DILATED, 1AA, WITH OR WITHOUT LEFT VENTRICULAR NONCOMPACTION; CARDIOMYOPATHY, FAMILIAL HYPERTROPHIC, 23, WITH OR WITHOUT LEFT VENTRICULAR NONCOMPACTION; Cardiomyopathy, dilated, 1AA, with or without LVNC. Identifiers: Orphanet 154, MedGen C2677338, MONDO:0012808, OMIM 612158.

Submission:

Labcorp Genetics (formerly Invitae), Labcorp
Classification: Uncertain significance for Primary familial hypertrophic cardiomyopathy; Dilated cardiomyopathy 1AA. Last evaluated: 2023-09-29. Review status: criteria provided, single submitter. Criteria: Invitae Variant Classification Sherloc (09022015). Collection method: clinical testing. Allele origin: germline.
Comment: This sequence change replaces tyrosine, which is neutral and polar, with cysteine, which is neutral and slightly polar, at codon 869 of the ACTN2 protein (p.Tyr869Cys). This variant is not present in population databases (gnomAD no frequency). This variant has not been reported in the literature in individuals affected with ACTN2-related conditions. An algorithm developed to predict the effect of missense changes on protein structure and function (PolyPhen-2) suggests that this variant is likely to be disruptive. In summary, the available evidence is currently insufficient to determine the role of this variant in disease. Therefore, it has been classified as a Variant of Uncertain Significance.